The following is an entry in ClinVar:

ClinVar aggregate classification (germline): Uncertain significance (1 of 4 stars; one submission).

Submission:

Labcorp Genetics (formerly Invitae), Labcorp
Classification: Uncertain significance. Last evaluated: 2022-03-12. Review status: criteria provided, single submitter. Criteria: Invitae Variant Classification Sherloc (09022015). Collection method: clinical testing. Allele origin: germline.
Comment: In summary, the available evidence is currently insufficient to determine the role of this variant in disease. Therefore, it has been classified as a Variant of Uncertain Significance. Algorithms developed to predict the effect of sequence changes on RNA splicing suggest that this variant may create or strengthen a splice site. This variant has not been reported in the literature in individuals affected with CSF1R-related conditions. This variant is not present in population databases (gnomAD no frequency). This sequence change falls in intron 4 of the CSF1R gene. It does not directly change the encoded amino acid sequence of the CSF1R protein.

NM_001288705.3(CSF1R):c.593-5C>T

Gene: CSF1R (colony stimulating factor 1 receptor; minus strand). Cytogenetic location: 5q32.
Variant type: single nucleotide variant.
Coding change: c.593-5C>T on transcript NM_001288705.3 (MANE Select); 5 bases into the intron before coding-DNA position 593, C replaced by T.
Molecular consequence: intron variant.
Genome position (GRCh38, 1-based): chr5:150,078,253, G>A on the plus strand (C>T on the coding strand, the complement: CSF1R is on the minus strand). VCF-style: chr5-150078253-G-A. GRCh37 (hg19) VCF-style: chr5-149457816-G-A.
Other names: c.149-5C>T (NM_001375321.1); c.593-5C>T (NM_005211.4, NM_001375320.1, NM_001349736.2).
Identifiers: ClinVar variation 2109786 (VCV002109786.4), dbSNP rs2481039849, ClinGen allele CA2580073863.